The following is an entry in ClinVar:

ClinVar aggregate classification (germline): Likely benign. Review status: criteria provided, multiple submitters, no conflicts (2 of 4 stars). 4 submissions from 4 submitters: Likely benign (4). Last evaluated 2026-02-24.

Conditions:
Dilated cardiomyopathy 1G (CMD1G). Identifiers: Orphanet 154, MedGen C1858763, MONDO:0011400, OMIM 604145.
Autosomal recessive limb-girdle muscular dystrophy type 2J (LGMDR10). Also called: MUSCULAR DYSTROPHY, LIMB-GIRDLE, AUTOSOMAL RECESSIVE 10; Limb-girdle muscular dystrophy, type 2J. Identifiers: Orphanet 140922, MedGen C1837342, MONDO:0012127, OMIM 608807.
TTN-related disorder. Also called: TTN-related disorders; TTN-related condition; TTN-related disease.
Cardiovascular phenotype. Identifiers: MedGen CN230736.

Allele frequency attached by ClinVar (database versions not stated): TOPMed below 0.00001; ExAC 0.00001; gnomAD 0.00001; gnomAD exomes 0.00001.
gnomAD v4.1: 12 of 1,613,962 alleles (0.00074%); highest among the groups gnomAD compares: Middle Eastern, 0.082%; no homozygotes.

Submissions (4):

PreventionGenetics, part of Exact Sciences
Classification: Likely benign for TTN-related condition. Last evaluated: 2026-02-24. Review status: criteria provided, single submitter. Criteria: ACMG Guidelines, 2015. Collection method: clinical testing. Allele origin: germline.
Comment: This variant is classified as likely benign based on ACMG/AMP sequence variant interpretation guidelines (Richards et al. 2015 PMID: 25741868, with internal and published modifications).

CeGaT Center for Human Genetics Tuebingen
Classification: Likely benign. Last evaluated: 2025-06-01. Review status: criteria provided, single submitter. Criteria: CeGaT Center For Human Genetics Tuebingen Variant Classification Criteria Version 2. Collection method: clinical testing. Allele origin: germline. Affected: yes. Observed: 4 variant alleles.
Comment: TTN: BP4, BP7

Labcorp Genetics (formerly Invitae), Labcorp
Classification: Likely benign for Dilated cardiomyopathy 1G; Autosomal recessive limb-girdle muscular dystrophy type 2J. Last evaluated: 2024-03-16. Review status: criteria provided, single submitter. Criteria: Invitae Variant Classification Sherloc (09022015). Collection method: clinical testing. Allele origin: germline.

Ambry Genetics
Classification: Likely benign for Cardiovascular phenotype. Last evaluated: 2021-10-28. Review status: criteria provided, single submitter. Criteria: Ambry Variant Classification Scheme 2023. Collection method: clinical testing. Allele origin: germline.

NM_001267550.2(TTN):c.9522T>C (p.Asp3174=)

Gene: TTN (titin; minus strand). Cytogenetic location: 2q31.2.
Variant type: single nucleotide variant.
Coding change: c.9522T>C on transcript NM_001267550.2 (MANE Select); coding-DNA position 9522, T replaced by C.
Protein change: p.Asp3174=; no amino-acid change (aspartic acid 3174 retained).
Molecular consequence: synonymous variant.
Genome position (GRCh38, 1-based): chr2:178,766,562, A>G on the plus strand (T>C on the coding strand, the complement: TTN is on the minus strand). VCF-style: chr2-178766562-A-G. GRCh37 (hg19) VCF-style: chr2-179631289-A-G.
Other names: c.9522T>C, p.Asp3174= (NM_001256850.1, NM_133378.4, NM_133379.5); c.9384T>C, p.Asp3128= (NM_003319.4, NM_133432.3, NM_133437.4).
Identifiers: ClinVar variation 749155 (VCV000749155.35), dbSNP rs765763326, ClinGen allele CA2004296.